The following is an entry in ClinVar:

ClinVar aggregate classification (germline): Uncertain significance. Review status: criteria provided, multiple submitters, no conflicts (2 of 4 stars). 4 submissions from 4 submitters: Uncertain significance (4). Last evaluated 2024-05-14.

Conditions:
Hyperinsulinemic hypoglycemia, familial, 1 (HHF1). Also called: Persistent Hyperinsulinemia Hypoglycemia of Infancy; HYPERINSULINISM, FAMILIAL, WITH PANCREATIC NESIDIOBLASTOSIS; HYPOGLYCEMIA, HYPERINSULINEMIC, OF INFANCY; NESIDIOBLASTOSIS OF PANCREAS; Persistent hyperinsulinemic hypoglycemia of infancy. Identifiers: Orphanet 276575, Orphanet 276598, MedGen C2931832, MONDO:0009734, OMIM 256450.
Leucine-induced hypoglycemia (LIH). Also called: LEUCINE-SENSITIVE HYPOGLYCEMIA OF INFANCY. Identifiers: MedGen C0271714, MONDO:0009415, OMIM 240800.
Type 2 diabetes mellitus. Also called: Type II diabetes mellitus. Identifiers: MedGen C0011860, MeSH D003924, MONDO:0005148, OMIM 125853, HP:0005978.
Diabetes mellitus, permanent neonatal 3. Also called: ABCC8-Related Permanent Neonatal Diabetes Mellitus. Identifiers: MedGen C5394303, MONDO:0030088, OMIM 618857.
Diabetes mellitus, transient neonatal, 2 (TNDM2). Identifiers: Orphanet 99886, MedGen C1835887, MONDO:0012480, OMIM 610374. Disease mechanism: loss of function.

Allele frequency attached by ClinVar (database versions not stated): gnomAD exomes below 0.00001; TOPMed below 0.00001; gnomAD 0.00001.
gnomAD v4.1: 10 of 1,613,920 alleles (0.00062%); highest among the groups gnomAD compares: African/African-American, 0.011%; no homozygotes.

Submissions (4):

Blueprint Genetics
Classification: Uncertain significance. Last evaluated: 2024-05-14. Review status: criteria provided, single submitter. Criteria: ACMG Guidelines, 2015. Collection method: clinical testing. Allele origin: germline.

Fulgent Genetics
Classification: Uncertain significance for Type 2 diabetes mellitus; Leucine-induced hypoglycemia; Hyperinsulinemic hypoglycemia, familial, 1; Diabetes mellitus, transient neonatal, 2; Diabetes mellitus, permanent neonatal 3. Last evaluated: 2022-04-11. Review status: criteria provided, single submitter. Criteria: ACMG Guidelines, 2015. Collection method: clinical testing. Allele origin: unknown.

GeneDx
Classification: Uncertain significance. Last evaluated: 2019-11-11. Review status: criteria provided, single submitter. Criteria: GeneDx Variant Classification Process June 2021. Collection method: clinical testing. Allele origin: germline. Affected: yes.
Comment: Not observed at a significant frequency in large population cohorts (Lek et al., 2016); In silico analysis, which includes protein predictors and evolutionary conservation, supports that this variant does not alter protein structure/function; Has not been previously published as pathogenic or benign to our knowledge

Breakthrough Genomics
Classification: Uncertain significance. Review status: criteria provided, single submitter. Criteria: ACMG Guidelines, 2015. Collection method: not provided. Allele origin: germline. Inheritance: Autosomal recessive inheritance. Affected: yes.

NM_000352.6(ABCC8):c.3658G>A (p.Ala1220Thr)

Gene: ABCC8 (ATP binding cassette subfamily C member 8; minus strand). Cytogenetic location: 11p15.1.
Variant type: single nucleotide variant.
Coding change: c.3658G>A on transcript NM_000352.6 (MANE Select); coding-DNA position 3658, G replaced by A.
Protein change: p.Ala1220Thr; replaces alanine 1220 with threonine.
Molecular consequence: missense variant. On other transcripts: non-coding transcript variant (1).
Genome position (GRCh38, 1-based): chr11:17,398,434, C>T on the plus strand (G>A on the coding strand, the complement: ABCC8 is on the minus strand). VCF-style: chr11-17398434-C-T. GRCh37 (hg19) VCF-style: chr11-17419981-C-T.
Other names: c.3661G>A, p.Ala1221Thr (NM_001287174.3); c.3724G>A, p.Ala1242Thr (NM_001351295.2); c.3658G>A, p.Ala1220Thr (NM_001351296.2); c.3655G>A, p.Ala1219Thr (NM_001351297.2); short protein forms A1219T, A1220T, A1221T, A1242T.
Identifiers: ClinVar variation 1310222 (VCV001310222.5), dbSNP rs1320499455, ClinGen allele CA379794815.